The following is an entry in ClinVar:

ClinVar aggregate classification (germline): Uncertain significance (1 of 4 stars; one submission).

Conditions:
Deficiency of ferroxidase (ACEP). Also called: Deficiency of ceruloplasmin; NEURODEGENERATION WITH BRAIN IRON ACCUMULATION 10; Ceruloplasmin deficiency; Familial apoceruloplasmin deficiency; Hereditary ceruloplasmin deficiency; Aceruloplasminemia. Identifiers: Orphanet 48818, MedGen C0878682, MONDO:0011426, OMIM 604290, HP:0025498.

Allele frequency attached by ClinVar (database versions not stated): gnomAD exomes below 0.00001.
gnomAD v4.1: 1 of 1,614,044 alleles (0.000062%); highest among the groups gnomAD compares: Non-Finnish European, 0.000085%; no homozygotes.

Submission:

Labcorp Genetics (formerly Invitae), Labcorp
Classification: Uncertain significance for Deficiency of ferroxidase. Last evaluated: 2021-12-07. Review status: criteria provided, single submitter. Criteria: Invitae Variant Classification Sherloc (09022015). Collection method: clinical testing. Allele origin: germline.
Comment: This sequence change replaces leucine, which is neutral and non-polar, with isoleucine, which is neutral and non-polar, at codon 93 of the CP protein (p.Leu93Ile). This variant is present in population databases (no rsID available, gnomAD 0.0009%). This variant has not been reported in the literature in individuals affected with CP-related conditions. Advanced modeling of protein sequence and biophysical properties (such as structural, functional, and spatial information, amino acid conservation, physicochemical variation, residue mobility, and thermodynamic stability) performed at Invitae indicates that this missense variant is expected to disrupt CP protein function. In summary, the available evidence is currently insufficient to determine the role of this variant in disease. Therefore, it has been classified as a Variant of Uncertain Significance.

NM_000096.4(CP):c.277T>A (p.Leu93Ile)

Gene: CP (ceruloplasmin; minus strand). Cytogenetic location: 3q25.1.
Variant type: single nucleotide variant.
Coding change: c.277T>A on transcript NM_000096.4 (MANE Select); coding-DNA position 277, T replaced by A.
Protein change: p.Leu93Ile; replaces leucine 93 with isoleucine.
Molecular consequence: missense variant. On other transcripts: non-coding transcript variant (1).
Genome position (GRCh38, 1-based): chr3:149,212,568, A>T on the plus strand (T>A on the coding strand, the complement: CP is on the minus strand). VCF-style: chr3-149212568-A-T. GRCh37 (hg19) VCF-style: chr3-148930355-A-T.
Other names: short protein forms L93I.
Identifiers: ClinVar variation 2155789 (VCV002155789.4), dbSNP rs1413036812, ClinGen allele CA354920213.